The following is an entry in ClinVar:

NM_017780.4(CHD7):c.7595C>T (p.Thr2532Met)

Gene: CHD7 (chromodomain helicase DNA binding protein 7; plus strand). Cytogenetic location: 8q12.2.
Variant type: single nucleotide variant.
Coding change: c.7595C>T on transcript NM_017780.4 (MANE Select); coding-DNA position 7595, C replaced by T.
Protein change: p.Thr2532Met; replaces threonine 2532 with methionine.
Molecular consequence: missense variant. On other transcripts: intron variant (1).
Genome position (GRCh38, 1-based): chr8:60,856,875, C>T. VCF-style: chr8-60856875-C-T. GRCh37 (hg19) VCF-style: chr8-61769434-C-T.
Other names: p.Thr2532Met; c.7595C>T (LRG_176t1); c.1717-5354C>T (NM_001316690.1); short protein forms T2532M.
Identifiers: ClinVar variation 196916 (VCV000196916.33), dbSNP rs201032343, ClinGen allele CA244716.
Genomic context (GRCh38, chr8:60,856,875, plus strand): 5'-GGCGGGGAAGGAGGAAAAATGTGGAGGGACTTGATCTGCTTTTCATGAGCCACAAACGGA[C>T]GTCATTGAGTGCAGTAAGTTGGGGAGCTTGCCTGCATGGCGATTGCACGTGTTGACAGCT-3'
Protein context (NP_060250.2, residues 2522-2542): LDLLFMSHKR[Thr2532Met]SLSAEDAEVT

ClinVar aggregate classification (germline): Conflicting classifications of pathogenicity. Review status: criteria provided, conflicting classifications (1 of 4 stars). 11 submissions from 11 submitters: Uncertain significance (6); Benign (2); Likely benign (3). Last evaluated 2026-01-02.

Conditions:
CHD7-related disorder. Also called: CHD7-related condition.
Inborn genetic diseases. Identifiers: MedGen C0950123, MeSH D030342.
CHARGE syndrome (CHARGE). Also called: Coloboma, heart anomaly, choanal atresia, retardation, genital and ear anomalies; CHARGE association; Hall-Hittner syndrome; CHARGE ASSOCIATION--COLOBOMA, HEART ANOMALY, CHOANAL ATRESIA, RETARDATION, GENITAL AND EAR ANOMALIES; Hittner Hirsch Kreh syndrome. Identifiers: Orphanet 138, MedGen C0265354, MONDO:0008965.
Hypogonadotropic hypogonadism 5 with or without anosmia (KAL5). Also called: HYPOGONADOTROPIC HYPOGONADISM 5 WITH ANOSMIA; HYPOGONADOTROPHIC HYPOGONADISM 5 WITHOUT ANOSMIA; CHD7-Related GnRH Deficiency (Kallmann Syndrome 5). Identifiers: Orphanet 478, MedGen C3552553, MONDO:0012880, OMIM 612370. Disease mechanism: loss of function.

Allele frequency attached by ClinVar (database versions not stated): gnomAD exomes 0.00005 and 0.00013; ExAC 0.00010; TOPMed 0.00049; gnomAD 0.00054 and 0.00062; ESP Exome Variant Server 0.00079.
gnomAD v4.1: 151 of 1,549,892 alleles (0.0097%); highest among the groups gnomAD compares: African/African-American, 0.18%; 2 homozygotes.

Submissions (11):

Labcorp Genetics (formerly Invitae), Labcorp
Classification: Likely benign for CHARGE syndrome. Last evaluated: 2026-01-02. Review status: criteria provided, single submitter. Criteria: Invitae Variant Classification Sherloc (09022015). Collection method: clinical testing. Allele origin: germline.

PreventionGenetics, part of Exact Sciences
Classification: Likely benign for CHD7-related condition. Last evaluated: 2025-06-30. Review status: criteria provided, single submitter. Criteria: ACMG Guidelines, 2015. Collection method: clinical testing. Allele origin: germline.
Comment: This variant is classified as likely benign based on ACMG/AMP sequence variant interpretation guidelines (Richards et al. 2015 PMID: 25741868, with internal and published modifications).

Blueprint Genetics
Classification: Benign. Last evaluated: 2022-05-14. Review status: criteria provided, single submitter. Criteria: ACMG Guidelines, 2015. Collection method: clinical testing. Allele origin: germline.

Mayo Clinic Laboratories, Mayo Clinic
Classification: Uncertain significance. Last evaluated: 2022-04-26. Review status: criteria provided, single submitter. Criteria: ACMG Guidelines, 2015. Collection method: clinical testing. Allele origin: germline. Observed: 1 variant allele.
Comment: BS2, PP2, PP3

Ambry Genetics
Classification: Likely benign for Inborn genetic diseases. Last evaluated: 2021-09-02. Review status: criteria provided, single submitter. Criteria: Ambry Variant Classification Scheme 2023. Collection method: clinical testing. Allele origin: germline.

New York Genome Center
Classification: Uncertain significance for CHD7-related CHARGE syndrome; Hypogonadotropic hypogonadism 5 with or without anosmia. Last evaluated: 2021-01-13. Review status: criteria provided, single submitter. Criteria: NYGC Assertion Criteria 2020. Collection method: clinical testing. Allele origin: germline. Observed: 2 heterozygotes. Clinical features observed: Seizure (HP:0001250), Global developmental delay (HP:0001263), Hydronephrosis (HP:0000126), Coronary artery fistula (HP:0011641), Lumbar scoliosis (HP:0004626), Hydrocephalus (HP:0000238), Cerebral palsy (HP:0100021), Cerebral visual impairment (HP:0100704), Obstructive sleep apnea syndrome (HP:0002870), Spasticity (HP:0001257), Intellectual disability (HP:0001249), Short stature (HP:0004322), and 2 more. Study: CSER-NYCKidSeq.

GeneDx
Classification: Benign. Last evaluated: 2020-06-24. Review status: criteria provided, single submitter. Criteria: GeneDx Variant Classification Process June 2021. Collection method: clinical testing. Allele origin: germline. Affected: yes.
Comment: This variant is associated with the following publications: (PMID: 25472840)

Mendelics
Classification: Uncertain significance for CHD7-related CHARGE syndrome. Last evaluated: 2019-05-28. Review status: criteria provided, single submitter. Criteria: Mendelics Assertion Criteria 2017. Collection method: clinical testing. Allele origin: unknown.

Genetic Services Laboratory, University of Chicago
Classification: Uncertain significance. Last evaluated: 2018-11-08. Review status: criteria provided, single submitter. Criteria: ACMG Guidelines, 2015. Collection method: clinical testing. Allele origin: germline. Affected: no.

Eurofins Ntd Llc (ga)
Classification: Uncertain significance. Last evaluated: 2017-04-19. Review status: criteria provided, single submitter. Criteria: EGL Classification Definitions 2015. Collection method: clinical testing. Allele origin: germline. Observed: 2 variant alleles, 2 heterozygotes.

Center for Genomics, Ann and Robert H. Lurie Children's Hospital of Chicago
Classification: Uncertain significance for Hypogonadotropic hypogonadism 5 with or without anosmia; CHD7-related CHARGE syndrome. Review status: criteria provided, single submitter. Criteria: ACMG Guidelines, 2015. Collection method: clinical testing. Allele origin: germline.
Comment: CHD7 NM_017780 exon 34 p.Thr2532Met (c.7595C>T): This variant has been reported in the literature in 1 individual with Isolated Gonadotropin-Releasing Horming Deficiency (IGD). Of note, this individual was not reported to have any other features of CHARGE syndrome (Balasubramanian 2014 PMID:25472840). This variant is present in 0.1% (44/23216) of African alleles including 1 homozygote in the Genome Aggregation Database. This variant is present in ClinVar (Variation ID:196916). Evolutionary conservation and computational predictive tools for this variant are unclear. In addition, functional studies have shown a deleterious effect of this variant. However, these studies may not accurately represent in vivo human biological function (Balasubramanian 2014 PMID:25472840). In summary, data on this variant is insufficient for disease classification. Therefore, the clinical significance of this variant is uncertain.